The following is an entry in ClinVar:

NC_000014.9:g.50237662GTT[1]

Genes: L2HGDH (L-2-hydroxyglutarate dehydrogenase; minus strand), LOC129390630 (MPRA-validated peak2154 silencer; plus strand). Cytogenetic location: 14q21.3.
Variant type: Microsatellite.
Genome position: GRCh38 VCF-style: chr14-50237660-ATGT-A. GRCh37 (hg19) VCF-style: chr14-50704378-ATGT-A.
Identifiers: ClinVar variation 1694718 (VCV001694718.32), dbSNP rs542783832, ClinGen allele CA7177700.

ClinVar aggregate classification (germline): Likely benign. Review status: criteria provided, multiple submitters, no conflicts (2 of 4 stars). 2 submissions from 2 submitters: Likely benign (2). Last evaluated 2026-05-01.

Submissions (2):

CeGaT Center for Human Genetics Tuebingen
Classification: Likely benign. Last evaluated: 2026-05-01. Review status: criteria provided, single submitter. Criteria: CeGaT Center For Human Genetics Tuebingen Variant Classification Criteria Version 2. Collection method: clinical testing. Allele origin: germline. Affected: yes. Observed: 7 variant alleles.
Comment: L2HGDH: PM4:Supporting, BS2

Blueprint Genetics
Classification: Likely benign. Last evaluated: 2023-03-24. Review status: criteria provided, single submitter. Criteria: ACMG Guidelines, 2015. Collection method: clinical testing. Allele origin: germline.